The following is an entry in ClinVar:

ClinVar aggregate classification (germline): Likely benign (1 of 4 stars; one submission).

Allele frequency attached by ClinVar (database versions not stated): gnomAD exomes below 0.00001.
gnomAD v4.1: 2 of 1,560,454 alleles (0.00013%); highest among the groups gnomAD compares: Non-Finnish European, 0.00017%; no homozygotes.

Submission:

CeGaT Center for Human Genetics Tuebingen
Classification: Likely benign. Last evaluated: 2022-10-01. Review status: criteria provided, single submitter. Criteria: CeGaT Center For Human Genetics Tuebingen Variant Classification Criteria Version 2. Collection method: clinical testing. Allele origin: germline. Affected: yes. Observed: 1 variant allele.
Comment: DNAH10: PM2:Supporting, BP4, BP7

NM_001372106.1(DNAH10):c.6619C>T (p.Leu2207=)

Gene: DNAH10 (dynein axonemal heavy chain 10; plus strand). Cytogenetic location: 12q24.31.
Variant type: single nucleotide variant.
Coding change: c.6619C>T on transcript NM_001372106.1 (MANE Select); coding-DNA position 6619, C replaced by T.
Protein change: p.Leu2207=; no amino-acid change (leucine 2207 retained).
Molecular consequence: synonymous variant.
Genome position (GRCh38, 1-based): chr12:123,857,236, C>T. VCF-style: chr12-123857236-C-T. GRCh37 (hg19) VCF-style: chr12-124341783-C-T.
Other names: c.6265C>T, p.Leu2089= (NM_001083900.1, NM_207437.3).
Identifiers: ClinVar variation 2643527 (VCV002643527.24), dbSNP rs1594210848, ClinGen allele CA482274257.